The following is an entry in ClinVar:

NM_024721.5(ZFHX4):c.5389C>T (p.Gln1797Ter)

Gene: ZFHX4 (zinc finger homeobox 4; plus strand). Cytogenetic location: 8q21.13.
Variant type: single nucleotide variant.
Coding change: c.5389C>T on transcript NM_024721.5 (MANE Select); coding-DNA position 5389, C replaced by T.
Protein change: p.Gln1797Ter; replaces glutamine 1797 with a stop codon.
Molecular consequence: nonsense.
Genome position (GRCh38, 1-based): chr8:76,852,310, C>T. VCF-style: chr8-76852310-C-T. GRCh37 (hg19) VCF-style: chr8-77764546-C-T.
Other names: c.5311C>T, p.Gln1771Ter (NM_001410934.1); short protein forms Q1771*, Q1797*.
Identifiers: ClinVar variation 3900326 (VCV003900326.1).

ClinVar aggregate classification (germline): Uncertain significance (1 of 4 stars; one submission).

Submission:

GeneDx
Classification: Uncertain significance. Last evaluated: 2024-03-29. Review status: criteria provided, single submitter. Criteria: GeneDx Variant Classification Process June 2021. Collection method: clinical testing. Allele origin: germline. Affected: yes.
Comment: Not observed at significant frequency in large population cohorts (gnomAD); Nonsense variant predicted to result in protein truncation or nonsense mediated decay in a gene or region of a gene for which loss of function is not a well-established mechanism of disease; Has not been previously published as pathogenic or benign to our knowledge; Variants in candidate genes are classified as variants of uncertain significance in accordance with ACMG guidelines (PMID: 25741868)